The following is an entry in ClinVar:

ClinVar aggregate classification (germline): Pathogenic (1 of 4 stars; one submission).

Conditions:
Immunodeficiency 64. Also called: IMMUNODEFICIENCY 64 WITH LYMPHOPROLIFERATION. Identifiers: Orphanet 664699, MedGen C5231402, MONDO:0032803, OMIM 618534.

Submission:

Women's Health and Genetics/Laboratory Corporation of America, LabCorp
Classification: Pathogenic for Immunodeficiency 64. Last evaluated: 2025-01-13. Review status: criteria provided, single submitter. Criteria: LabCorp Variant Classification Summary - May 2015. Collection method: clinical testing. Allele origin: germline.
Comment: Variant summary: RASGRP1 c.1232_1233delAC (p.His411LeufsX12) results in a premature termination codon, predicted to cause absence of the protein due to nonsense mediated decay, which is a commonly known mechanisms for disease. The variant was absent in 178686 control chromosomes. To our knowledge, no occurrence of c.1232_1233delAC in individuals affected with Immunodeficiency 64 and no experimental evidence demonstrating its impact on protein function have been reported. No submitters have cited clinical-significance assessments for this variant to ClinVar. Based on the evidence outlined above, the variant was classified as pathogenic.

NM_005739.4(RASGRP1):c.1232_1233del (p.His411fs)

Gene: RASGRP1 (RAS guanyl releasing protein 1; minus strand). Cytogenetic location: 15q14.
Variant type: Microsatellite.
Coding change: c.1232_1233del on transcript NM_005739.4 (MANE Select); coding-DNA positions 1232 to 1233, 2 bases deleted (AC; older notation c.1232_1233delAC).
Protein change: p.His411fs; shifts the reading frame from histidine 411.
Molecular consequence: frameshift variant.
Genome position (GRCh38, 1-based): chr15:38,507,735-38,507,736, GT deleted on the plus strand (AC on the coding strand, the reverse complement: RASGRP1 is on the minus strand); deleting any 2 consecutive bases within chr15:38,507,735-38,507,738 gives the same sequence; the c. name uses the placement nearest the transcript's 3' end. VCF-style (leftmost placement, unchanged base first): chr15-38507734-AGT-A. GRCh37 (hg19) VCF-style: chr15-38799935-AGT-A.
Other names: c.1232_1233del, p.His411fs (NM_001128602.2, NM_001306086.2); c.1232_1233delAC (NM_005739.4); short protein forms H411fs.
Identifiers: ClinVar variation 3769164 (VCV003769164.2).